The following is an entry in ClinVar:

ClinVar aggregate classification (germline): Uncertain significance (1 of 4 stars; one submission).

Conditions:
Norman-Roberts syndrome (LIS2). Also called: Lissencephaly 2 (Norman-Roberts type). Identifiers: Orphanet 89844, MedGen C0796089, MONDO:0009760, OMIM 257320.
Familial temporal lobe epilepsy 7. Identifiers: Orphanet 101046, MedGen C4225327, MONDO:0014639, OMIM 616436.

Allele frequency attached by ClinVar (database versions not stated): gnomAD exomes below 0.00001.
gnomAD v4.1: 6 of 1,614,132 alleles (0.00037%); highest among the groups gnomAD compares: Admixed American, 0.0067%; no homozygotes.

Submission:

Labcorp Genetics (formerly Invitae), Labcorp
Classification: Uncertain significance for Familial temporal lobe epilepsy 7; Norman-Roberts syndrome. Last evaluated: 2025-12-19. Review status: criteria provided, single submitter. Criteria: Invitae Variant Classification Sherloc (09022015). Collection method: clinical testing. Allele origin: germline.
Comment: This sequence change replaces serine, which is neutral and polar, with cysteine, which is neutral and slightly polar, at codon 1355 of the RELN protein (p.Ser1355Cys). This variant is not present in population databases (gnomAD no frequency). This variant has not been reported in the literature in individuals affected with RELN-related conditions. ClinVar contains an entry for this variant (Variation ID: 954491). Invitae Evidence Modeling of protein sequence and biophysical properties (such as structural, functional, and spatial information, amino acid conservation, physicochemical variation, residue mobility, and thermodynamic stability) indicates that this missense variant is not expected to disrupt RELN protein function with a negative predictive value of 80%. In summary, the available evidence is currently insufficient to determine the role of this variant in disease. Therefore, it has been classified as a Variant of Uncertain Significance.

NM_005045.4(RELN):c.4063A>T (p.Ser1355Cys)

Gene: RELN (reelin; minus strand). Cytogenetic location: 7q22.1.
Variant type: single nucleotide variant.
Coding change: c.4063A>T on transcript NM_005045.4 (MANE Select); coding-DNA position 4063, A replaced by T.
Protein change: p.Ser1355Cys; replaces serine 1355 with cysteine.
Molecular consequence: missense variant.
Genome position (GRCh38, 1-based): chr7:103,589,678, T>A on the plus strand (A>T on the coding strand, the complement: RELN is on the minus strand). VCF-style: chr7-103589678-T-A. GRCh37 (hg19) VCF-style: chr7-103230125-T-A.
Other names: c.4063A>T, p.Ser1355Cys (NM_173054.3); short protein forms S1355C.
Identifiers: ClinVar variation 954491 (VCV000954491.9), dbSNP rs1831364343, ClinGen allele CA368755826.